The following is an entry in ClinVar:

NM_001365276.2(TNXB):c.5947G>A (p.Glu1983Lys)

Gene: TNXB (tenascin XB; minus strand). Cytogenetic location: 6p21.33.
Variant type: single nucleotide variant.
Coding change: c.5947G>A on transcript NM_001365276.2 (MANE Select); coding-DNA position 5947, G replaced by A.
Protein change: p.Glu1983Lys; replaces glutamic acid 1983 with lysine.
Molecular consequence: missense variant.
Genome position (GRCh38, 1-based): chr6:32,068,663, C>T on the plus strand (G>A on the coding strand, the complement: TNXB is on the minus strand). VCF-style: chr6-32068663-C-T. GRCh37 (hg19) VCF-style: chr6-32036440-C-T.
Other names: p.Glu1983Lys; c.5947G>A, p.Glu1983Lys (NM_019105.8); short protein forms E1983K.
Identifiers: ClinVar variation 1750647 (VCV001750647.4), dbSNP rs1283973477, ClinGen allele CA363405324.

ClinVar aggregate classification (germline): Uncertain significance. Review status: criteria provided, multiple submitters, no conflicts (2 of 4 stars). 3 submissions from 3 submitters: Uncertain significance (3). Last evaluated 2025-10-23.

Conditions:
Cardiovascular phenotype. Identifiers: MedGen CN230736.

gnomAD v4.1: 4 of 1,613,674 alleles (0.00025%); highest among the groups gnomAD compares: Admixed American, 0.0033%; no homozygotes.

Submissions (3):

Mayo Clinic Laboratories, Mayo Clinic
Classification: Uncertain significance. Last evaluated: 2025-10-23. Review status: criteria provided, single submitter. Criteria: ACMG Guidelines, 2015. Collection method: clinical testing. Allele origin: germline. Observed: 1 variant allele.
Comment: BP4

Ambry Genetics
Classification: Uncertain significance for Cardiovascular phenotype. Last evaluated: 2025-10-05. Review status: criteria provided, single submitter. Criteria: Ambry Variant Classification Scheme 2023. Collection method: clinical testing. Allele origin: germline.
Comment: The p.E1983K variant (also known as c.5947G>A), located in coding exon 16 of the TNXB gene, results from a G to A substitution at nucleotide position 5947. The glutamic acid at codon 1983 is replaced by lysine, an amino acid with similar properties. This amino acid position is conserved. In addition, this alteration is predicted to be tolerated by in silico analysis. Since supporting evidence is limited at this time, the clinical significance of this alteration remains unclear.

Women's Health and Genetics/Laboratory Corporation of America, LabCorp
Classification: Uncertain significance. Last evaluated: 2025-02-12. Review status: criteria provided, single submitter. Criteria: LabCorp Variant Classification Summary - May 2015. Collection method: clinical testing. Allele origin: germline.
Comment: Variant summary: TNXB c.5947G>A (p.Glu1983Lys) results in a conservative amino acid change located in the Fibronectin type III domain (IPR003961) of the encoded protein sequence. Four of five in-silico tools predict a benign effect of the variant on protein function. The variant allele was found at a frequency of 4e-06 in 248654 control chromosomes. The available data on variant occurrences in the general population are insufficient to allow any conclusion about variant significance. To our knowledge, no occurrence of c.5947G>A in individuals affected with Ehlers-Danlos syndrome due to tenascin-X deficiency and no experimental evidence demonstrating its impact on protein function have been reported. ClinVar contains an entry for this variant (Variation ID: 1750647). Based on the evidence outlined above, the variant was classified as uncertain significance.